The following is an entry in ClinVar:

NM_000260.4(MYO7A):c.6434C>T (p.Thr2145Met)

Gene: MYO7A (myosin VIIA; plus strand). Cytogenetic location: 11q13.5.
Variant type: single nucleotide variant.
Coding change: c.6434C>T on transcript NM_000260.4 (MANE Select); coding-DNA position 6434, C replaced by T.
Protein change: p.Thr2145Met; replaces threonine 2145 with methionine.
Molecular consequence: missense variant.
Genome position (GRCh38, 1-based): chr11:77,213,031, C>T. VCF-style: chr11-77213031-C-T. GRCh37 (hg19) VCF-style: chr11-76924076-C-T.
Other names: c.6314C>T, p.Thr2105Met (NM_001127180.2); c.6287C>T, p.Thr2096Met (NM_001369365.1); c.6434C>T (NM_000260.3); short protein forms T2105M, T2145M, T2096M.
Identifiers: ClinVar variation 1435062 (VCV001435062.6), dbSNP rs756860265, ClinGen allele CA6199061.

ClinVar aggregate classification (germline): Uncertain significance. Review status: criteria provided, multiple submitters, no conflicts (2 of 4 stars). 3 submissions from 3 submitters: Uncertain significance (3). Last evaluated 2026-02-17.

Conditions:
Inborn genetic diseases. Identifiers: MedGen C0950123, MeSH D030342.

Allele frequency attached by ClinVar (database versions not stated): gnomAD exomes below 0.00001 and 0.00001; gnomAD 0.00001; TOPMed 0.00001.
gnomAD v4.1: 9 of 1,572,498 alleles (0.00057%); highest among the groups gnomAD compares: South Asian, 0.0035%; no homozygotes.

Submissions (3):

Ambry Genetics
Classification: Uncertain significance for Inborn genetic diseases. Last evaluated: 2026-02-17. Review status: criteria provided, single submitter. Criteria: Ambry Variant Classification Scheme 2023. Collection method: clinical testing. Allele origin: germline.

Women's Health and Genetics/Laboratory Corporation of America, LabCorp
Classification: Uncertain significance. Last evaluated: 2025-11-25. Review status: criteria provided, single submitter. Criteria: LabCorp Variant Classification Summary - May 2015. Collection method: clinical testing. Allele origin: germline.
Comment: Variant summary: MYO7A c.6434C>T (p.Thr2145Met) results in a non-conservative amino acid change located in the second FERM domain (IPR000299) of the encoded protein sequence. Algorithms developed to predict the effect of missense changes on protein structure and function all suggest that this variant is likely to be disruptive. The variant allele was found at a frequency of 1.1e-05 in 184016 control chromosomes (gnomAD). The available data on variant occurrences in the general population are insufficient to allow any conclusion about variant significance. To our knowledge, no occurrence of c.6434C>T in individuals affected with MYO7A-related conditions and no experimental evidence demonstrating its impact on protein function have been reported. ClinVar contains an entry for this variant (Variation ID: 1435062). Based on the evidence outlined above, the variant was classified as uncertain significance.

Labcorp Genetics (formerly Invitae), Labcorp
Classification: Uncertain significance. Last evaluated: 2025-01-28. Review status: criteria provided, single submitter. Criteria: Invitae Variant Classification Sherloc (09022015). Collection method: clinical testing. Allele origin: germline.
Comment: This sequence change replaces threonine, which is neutral and polar, with methionine, which is neutral and non-polar, at codon 2145 of the MYO7A protein (p.Thr2145Met). This variant is present in population databases (rs756860265, gnomAD 0.004%). This variant has not been reported in the literature in individuals affected with MYO7A-related conditions. ClinVar contains an entry for this variant (Variation ID: 1435062). Invitae Evidence Modeling of protein sequence and biophysical properties (such as structural, functional, and spatial information, amino acid conservation, physicochemical variation, residue mobility, and thermodynamic stability) has been performed for this missense variant. However, the output from this modeling did not meet the statistical confidence thresholds required to predict the impact of this variant on MYO7A protein function. In summary, the available evidence is currently insufficient to determine the role of this variant in disease. Therefore, it has been classified as a Variant of Uncertain Significance.